The following is an entry in ClinVar:

ClinVar aggregate classification (germline): Uncertain significance. Review status: criteria provided, multiple submitters, no conflicts (2 of 4 stars). 2 submissions from 2 submitters: Uncertain significance (2). Last evaluated 2025-09-02.

Conditions:
Tetralogy of Fallot (TOF). Identifiers: Orphanet 3303, MedGen C0039685, MONDO:0008542, OMIM 187500, HP:0001636.
Alagille syndrome due to a JAG1 point mutation. Also called: JAG1-Related Alagille Syndrome; Alagille Syndrome 1; HEPATIC DUCTULAR HYPOPLASIA, SYNDROMATIC. Identifiers: Orphanet 261619, Orphanet 52, MedGen C1956125, MONDO:0016862, OMIM 118450.
Deafness, congenital heart defects, and posterior embryotoxon (DCHE). Identifiers: MedGen C1866053, MONDO:0060713, OMIM 617992.
Charcot-Marie-Tooth disease, axonal, Type 2HH. Also called: CHARCOT-MARIE-TOOTH NEUROPATHY, TYPE 2HH. Identifiers: MedGen C5562003, MONDO:0030458, OMIM 619574.

gnomAD v4.1: 7 of 1,613,932 alleles (0.00043%); highest among the groups gnomAD compares: Admixed American, 0.0017%; no homozygotes.

Submissions (2):

Labcorp Genetics (formerly Invitae), Labcorp
Classification: Uncertain significance for Alagille syndrome due to a JAG1 point mutation. Last evaluated: 2025-09-02. Review status: criteria provided, single submitter. Criteria: Invitae Variant Classification Sherloc (09022015). Collection method: clinical testing. Allele origin: germline.
Comment: This sequence change replaces glycine, which is neutral and non-polar, with arginine, which is basic and polar, at codon 309 of the JAG1 protein (p.Gly309Arg). This variant is present in population databases (rs750195672, gnomAD 0.0009%). This variant has not been reported in the literature in individuals affected with JAG1-related conditions. ClinVar contains an entry for this variant (Variation ID: 3587085). Invitae Evidence Modeling of protein sequence and biophysical properties (such as structural, functional, and spatial information, amino acid conservation, physicochemical variation, residue mobility, and thermodynamic stability) indicates that this missense variant is not expected to disrupt JAG1 protein function with a negative predictive value of 80%. Algorithms developed to predict the effect of sequence changes on RNA splicing suggest that this variant may create or strengthen a splice site. In summary, the available evidence is currently insufficient to determine the role of this variant in disease. Therefore, it has been classified as a Variant of Uncertain Significance.

Fulgent Genetics
Classification: Uncertain significance for Alagille syndrome due to a JAG1 point mutation; Tetralogy of Fallot; Deafness, congenital heart defects, and posterior embryotoxon; Charcot-Marie-Tooth disease, axonal, Type 2HH. Last evaluated: 2024-04-11. Review status: criteria provided, single submitter. Criteria: ACMG Guidelines, 2015. Collection method: clinical testing. Allele origin: germline.

NM_000214.3(JAG1):c.925G>A (p.Gly309Arg)

Gene: JAG1 (jagged canonical Notch ligand 1; minus strand). Cytogenetic location: 20p12.2.
Variant type: single nucleotide variant.
Coding change: c.925G>A on transcript NM_000214.3 (MANE Select); coding-DNA position 925, G replaced by A.
Protein change: p.Gly309Arg; replaces glycine 309 with arginine.
Molecular consequence: missense variant.
Genome position (GRCh38, 1-based): chr20:10,652,212, C>T on the plus strand (G>A on the coding strand, the complement: JAG1 is on the minus strand). VCF-style: chr20-10652212-C-T. GRCh37 (hg19) VCF-style: chr20-10632860-C-T.
Other names: short protein forms G309R.
Identifiers: ClinVar variation 3587085 (VCV003587085.3).
Genomic context (GRCh38, chr20:10,652,212, plus strand): 5'-AATACCCCTCAGGGCAGGAACACTGATATTTGTCAGGGCCTGTGTTGCTACAAGTTCCCC[C>T]GTTGAGACACGGCTGATGAGTCCCACAGTAATTGAGATCTGCCAAAAAGATCCTGGAGTC-3'
Protein context (NP_000205.1, residues 299-319): YCGTHQPCLN[Gly309Arg]GTCSNTGPDK